The following is an entry in ClinVar:

ClinVar aggregate classification (germline): Uncertain significance. Review status: criteria provided, multiple submitters, no conflicts (2 of 4 stars). 2 submissions from 2 submitters: Uncertain significance (2). Last evaluated 2025-08-18.

Conditions:
Muscular dystrophy-dystroglycanopathy (congenital with impaired intellectual development), type B, 1. Also called: Muscular dystrophy-dystroglycanopathy (congenital with intellectual disability), type B1; MUSCULAR DYSTROPHY, CONGENITAL, POMT1-RELATED. Identifiers: MedGen C5436962, MONDO:0013159, OMIM 613155.
Autosomal recessive limb-girdle muscular dystrophy type 2K. Also called: MUSCULAR DYSTROPHY-DYSTROGLYCANOPATHY (LIMB-GIRDLE), TYPE C, 1; MUSCULAR DYSTROPHY, LIMB-GIRDLE, TYPE 2K. Identifiers: Orphanet 86812, MedGen C1836373, MONDO:0012248, OMIM 609308.
Walker-Warburg congenital muscular dystrophy. Also called: Muscular dystrophy-dystroglycanopathy, type A; Walker-Warburg syndrome. Identifiers: Orphanet 899, MedGen C0265221, MONDO:0000171.

Allele frequency attached by ClinVar (database versions not stated): gnomAD 0.00002; gnomAD exomes 0.00001; TOPMed 0.00003.

Submissions (2):

Labcorp Genetics (formerly Invitae), Labcorp
Classification: Uncertain significance for Muscular dystrophy-dystroglycanopathy (congenital with impaired intellectual development), type B, 1; Walker-Warburg congenital muscular dystrophy; Autosomal recessive limb-girdle muscular dystrophy type 2K. Last evaluated: 2025-08-18. Review status: criteria provided, single submitter. Criteria: Invitae Variant Classification Sherloc (09022015). Collection method: clinical testing. Allele origin: germline.
Comment: This sequence change replaces tyrosine, which is neutral and polar, with histidine, which is basic and polar, at codon 565 of the POMT1 protein (p.Tyr565His). This variant is present in population databases (no rsID available, gnomAD 0.007%). This variant has not been reported in the literature in individuals affected with POMT1-related conditions. ClinVar contains an entry for this variant (Variation ID: 596172). Invitae Evidence Modeling of protein sequence and biophysical properties (such as structural, functional, and spatial information, amino acid conservation, physicochemical variation, residue mobility, and thermodynamic stability) indicates that this missense variant is expected to disrupt POMT1 protein function with a positive predictive value of 80%. In summary, the available evidence is currently insufficient to determine the role of this variant in disease. Therefore, it has been classified as a Variant of Uncertain Significance.

Eurofins Ntd Llc (ga)
Classification: Uncertain significance. Last evaluated: 2018-02-16. Review status: criteria provided, single submitter. Criteria: EGL ClinVar v180209 classification definitions. Collection method: clinical testing. Allele origin: germline. Observed: 1 variant allele, 1 heterozygote.

NM_001077365.2(POMT1):c.1627T>C (p.Tyr543His)

Gene: POMT1 (protein O-mannosyltransferase 1; plus strand). Cytogenetic location: 9q34.13.
Variant type: single nucleotide variant.
Coding change: c.1627T>C on transcript NM_001077365.2 (MANE Select); coding-DNA position 1627, T replaced by C.
Protein change: p.Tyr543His; replaces tyrosine 543 with histidine.
Molecular consequence: missense variant. On other transcripts: non-coding transcript variant (10).
Genome position (GRCh38, 1-based): chr9:131,520,122, T>C. VCF-style: chr9-131520122-T-C. GRCh37 (hg19) VCF-style: chr9-134395509-T-C.
Other names: c.1465T>C, p.Tyr489His (NM_001077366.2, NM_001353194.2); c.1627T>C, p.Tyr543His (NM_001136113.2); c.1276T>C, p.Tyr426His (NM_001136114.2, NM_001353195.2, NM_001374691.1 and 2 more transcripts); c.1693T>C, p.Tyr565His (NM_001353193.2, NM_007171.4); c.1537T>C, p.Tyr513His (NM_001353196.2); c.1531T>C, p.Tyr511His (NM_001353197.2, NM_001353198.2); c.1342T>C, p.Tyr448His (NM_001353199.2); c.1171T>C, p.Tyr391His (NM_001353200.2); and 3 more; short protein forms Y565H, Y513H, Y489H, Y511H, Y543H, Y391H, Y426H, Y448H.
Identifiers: ClinVar variation 596172 (VCV000596172.10), dbSNP rs1192384406, ClinGen allele CA375313102.